The following is an entry in ClinVar:

NM_001364905.1(LRBA):c.1072T>A (p.Cys358Ser)

Gene: LRBA (LPS responsive beige-like anchor protein; minus strand). Cytogenetic location: 4q31.3.
Variant type: single nucleotide variant.
Coding change: c.1072T>A on transcript NM_001364905.1 (MANE Select); coding-DNA position 1072, T replaced by A.
Protein change: p.Cys358Ser; replaces cysteine 358 with serine.
Molecular consequence: missense variant.
Genome position (GRCh38, 1-based): chr4:150,914,284, A>T on the plus strand (T>A on the coding strand, the complement: LRBA is on the minus strand). VCF-style: chr4-150914284-A-T. GRCh37 (hg19) VCF-style: chr4-151835436-A-T.
Other names: c.1072T>A, p.Cys358Ser (NM_001199282.3, NM_001367550.1, NM_006726.5); short protein forms C358S.
Identifiers: ClinVar variation 1354080 (VCV001354080.6), dbSNP rs2149486657, ClinGen allele CA358435680.

ClinVar aggregate classification (germline): Uncertain significance (1 of 4 stars; one submission).

Conditions:
Combined immunodeficiency due to LRBA deficiency. Also called: Common variable immunodeficiency 8, with autoimmunity. Identifiers: Orphanet 445018, MedGen C3553512, MONDO:0013863, OMIM 614700.

Submission:

Labcorp Genetics (formerly Invitae), Labcorp
Classification: Uncertain significance for Combined immunodeficiency due to LRBA deficiency. Last evaluated: 2021-11-27. Review status: criteria provided, single submitter. Criteria: Invitae Variant Classification Sherloc (09022015). Collection method: clinical testing. Allele origin: germline.
Comment: This sequence change replaces cysteine, which is neutral and slightly polar, with serine, which is neutral and polar, at codon 358 of the LRBA protein (p.Cys358Ser). This variant is not present in population databases (gnomAD no frequency). This variant has not been reported in the literature in individuals affected with LRBA-related conditions. Algorithms developed to predict the effect of missense changes on protein structure and function are either unavailable or do not agree on the potential impact of this missense change (SIFT: "Deleterious"; PolyPhen-2: "Probably Damaging"; Align-GVGD: "Class C0"). In summary, the available evidence is currently insufficient to determine the role of this variant in disease. Therefore, it has been classified as a Variant of Uncertain Significance.